The following is an entry in ClinVar:

NM_000268.4(NF2):c.1586T>C (p.Met529Thr)

Gene: NF2 (NF2, moesin-ezrin-radixin like (MERLIN) tumor suppressor; plus strand). Cytogenetic location: 22q12.2.
Variant type: single nucleotide variant.
Coding change: c.1586T>C on transcript NM_000268.4 (MANE Select); coding-DNA position 1586, T replaced by C.
Protein change: p.Met529Thr; replaces methionine 529 with threonine.
Molecular consequence: missense variant. On other transcripts: non-coding transcript variant (1), intron variant (1).
Genome position (GRCh38, 1-based): chr22:29,681,450, T>C. VCF-style: chr22-29681450-T-C. GRCh37 (hg19) VCF-style: chr22-30077439-T-C.
Other names: c.1586T>C, p.Met529Thr (NM_016418.5, NM_181825.3, NM_181832.3); c.1460T>C, p.Met487Thr (NM_181828.3); c.1463T>C, p.Met488Thr (NM_181829.3); c.1337T>C, p.Met446Thr (NM_181830.3, NM_181831.3); c.448-13302T>C (NM_181833.3); short protein forms M529T, M488T, M446T, M487T.
Identifiers: ClinVar variation 485982 (VCV000485982.19), dbSNP rs780818183, ClinGen allele CA032332.
Genomic context (GRCh38, chr22:29,681,450, plus strand): 5'-GTCTCACTGTCTGCCCAAGCCCTGATGCATGATACCCTCTTGCCGGCAGAGTGGAATACA[T>C]GGAAAAGAGCAAGCATCTGCAGGAGCAGCTCAATGAACTCAAGACAGAAATCGAGGCCTT-3'
Protein context (NP_000259.1, residues 519-539): MEIEKEKVEY[Met529Thr]EKSKHLQEQL

ClinVar aggregate classification (germline): Conflicting classifications of pathogenicity. Review status: criteria provided, conflicting classifications (1 of 4 stars). 6 submissions from 6 submitters: Uncertain significance (4); Benign (1); Likely benign (1). Last evaluated 2026-01-31.

Conditions:
Neurofibromatosis, type 2 (SWNV). Also called: SCHWANNOMATOSIS, VESTIBULAR; BILATERAL ACOUSTIC NEUROFIBROMATOSIS; NF2-Related Schwannomatosis. Identifiers: Orphanet 637, MedGen C0027832, MONDO:0007039, OMIM 101000. Disease mechanism: loss of function.
Familial meningioma. Also called: Meningioma, familial, susceptibility to. Identifiers: Orphanet 263662, MedGen C3551915, MONDO:0011789, OMIM 607174.
Hereditary cancer-predisposing syndrome. Also called: Hereditary neoplastic syndrome; Hereditary Cancer Syndrome; Neoplastic Syndromes, Hereditary; Tumor predisposition. Identifiers: Orphanet 140162, MedGen C0027672, MeSH D009386, MONDO:0015356.

Allele frequency attached by ClinVar (database versions not stated): ExAC 0.00001; gnomAD 0.00001; TOPMed 0.00001; gnomAD exomes 0.00003.
gnomAD v4.1: 11 of 1,613,764 alleles (0.00068%); highest among the groups gnomAD compares: Admixed American, 0.013%; no homozygotes.

Submissions (6):

Labcorp Genetics (formerly Invitae), Labcorp
Classification: Likely benign for Neurofibromatosis, type 2. Last evaluated: 2026-01-31. Review status: criteria provided, single submitter. Criteria: Invitae Variant Classification Sherloc (09022015). Collection method: clinical testing. Allele origin: germline.

All of Us Research Program, National Institutes of Health
Classification: Uncertain significance for Neurofibromatosis, type 2. Last evaluated: 2024-04-25. Review status: criteria provided, single submitter. Criteria: ACMG Guidelines, 2015. Collection method: clinical testing. Allele origin: germline. Inheritance: Autosomal dominant inheritance. Observed: 5 variant alleles, 5 heterozygotes.
Comment: This missense variant replaces methionine with threonine at codon 529 of the NF2 protein. Computational prediction suggests that this variant may not impact protein structure and function (internally defined REVEL score threshold <= 0.5, PMID: 27666373). To our knowledge, functional studies have not been reported for this variant. This variant has not been reported in individuals affected with NF2-related disorders in the literature. This variant has been identified in 8/282798 chromosomes in the general population by the Genome Aggregation Database (gnomAD). The available evidence is insufficient to determine the role of this variant in disease conclusively. Therefore, this variant is classified as a Variant of Uncertain Significance.

This study involves interpretation of variants in research participants for the purpose of population health screening. Participant phenotype was not available at the time of variant classification. Additional details can be found in publication PMID: 35346344, PMCID: PMC8962531

Color Diagnostics, LLC DBA Color Health
Classification: Uncertain significance for Neurofibromatosis, type 2. Last evaluated: 2024-04-11. Review status: criteria provided, single submitter. Criteria: ACMG Guidelines, 2015. Collection method: clinical testing. Allele origin: germline.
Comment: This missense variant replaces methionine with threonine at codon 529 of the NF2 protein. Computational prediction suggests that this variant may not impact protein structure and function. To our knowledge, functional studies have not been reported for this variant. This variant has not been reported in individuals affected with NF2-related disorders in the literature. This variant has been identified in 8/282798 chromosomes in the general population by the Genome Aggregation Database (gnomAD). The available evidence is insufficient to determine the role of this variant in disease conclusively. Therefore, this variant is classified as a Variant of Uncertain Significance.

Fulgent Genetics
Classification: Uncertain significance for Neurofibromatosis, type 2; Familial meningioma. Last evaluated: 2024-01-31. Review status: criteria provided, single submitter. Criteria: ACMG Guidelines, 2015. Collection method: clinical testing. Allele origin: germline.

Ambry Genetics
Classification: Benign for Hereditary cancer-predisposing syndrome. Last evaluated: 2023-02-09. Review status: criteria provided, single submitter. Criteria: Ambry Variant Classification Scheme 2023. Collection method: clinical testing. Allele origin: germline.

Genome-Nilou Lab
Classification: Uncertain significance for Neurofibromatosis, type 2. Last evaluated: 2021-11-07. Review status: criteria provided, single submitter. Criteria: ACMG Guidelines, 2015. Collection method: clinical testing. Allele origin: germline. Affected: no.